The following is an entry in ClinVar:

NM_001377405.1(ATXN7):c.100_101insCCC (p.Gln33_Gln34insPro)

Genes: ATXN7 (ataxin 7; plus strand), LOC108660406 (ataxin 7 repeat instability region; plus strand), LOC129936979 (ATAC-STARR-seq lymphoblastoid silent region 14501; plus strand). Cytogenetic location: 3p14.1.
Variant type: Insertion.
Coding change: c.100_101insCCC on transcript NM_001377405.1 (MANE Select); coding-DNA positions 100 to 101, CCC inserted.
Protein change: p.Gln33_Gln34insPro.
Genome position: GRCh38 VCF-style: chr3-63912697-G-GCCC. GRCh37 (hg19) VCF-style: chr3-63898373-G-GCCC.
Other names: c.100_101insCCC, p.Gln33_Gln34insPro (NM_000333.4, NM_001177387.1, NM_001377406.1).
Identifiers: ClinVar variation 4963177 (VCV004963177.2).
Genomic context (GRCh38, chr3:63,912,697, plus strand): 5'-GCGCCGCGCGGCGGCGGCGGCGGGCGGAGCAGCGGCCGCGGCCGCCCGGCAGCAGCAGCA[G>GCCC]CAGCAGCAGCAGCAGCAGCCGCCGCCTCCGCAGCCCCAGCGGCAGCAGCACCCGCCACCG-3'

ClinVar aggregate classification (germline): Likely benign. Review status: criteria provided, multiple submitters, no conflicts (2 of 4 stars). 2 submissions from 2 submitters: Likely benign (2). Last evaluated 2025-05-23.

Conditions:
ATXN7-related disorder. Also called: ATXN7-related condition.

Submissions (2):

PreventionGenetics, part of Exact Sciences
Classification: Likely benign for ATXN7-related condition. Last evaluated: 2025-05-23. Review status: criteria provided, single submitter. Criteria: ACMG Guidelines, 2015. Collection method: clinical testing. Allele origin: germline.
Comment: This variant is classified as likely benign based on ACMG/AMP sequence variant interpretation guidelines (Richards et al. 2015 PMID: 25741868, with internal and published modifications).

Blueprint Genetics
Classification: Likely benign. Last evaluated: 2024-11-21. Review status: criteria provided, single submitter. Criteria: ACMG Guidelines, 2015. Collection method: clinical testing. Allele origin: germline.